The following is an entry in ClinVar:

ClinVar aggregate classification (germline): Likely pathogenic (1 of 4 stars; one submission).

Submission:

Labcorp Genetics (formerly Invitae), Labcorp
Classification: Likely pathogenic. Last evaluated: 2025-10-14. Review status: criteria provided, single submitter. Criteria: Invitae Variant Classification Sherloc (09022015). Collection method: clinical testing. Allele origin: germline.
Comment: This sequence change affects an acceptor splice site in intron 2 of the RELA gene. It is expected to disrupt RNA splicing. Variants that disrupt the donor or acceptor splice site typically lead to a loss of protein function (PMID: 16199547), and loss-of-function variants in RELA are known to be pathogenic (PMID: 28600438). This variant is present in population databases (no rsID available, gnomAD 0.004%). This variant has not been reported in the literature in individuals affected with RELA-related conditions. ClinVar contains an entry for this variant (Variation ID: 3694709). Algorithms developed to predict the effect of sequence changes on RNA splicing suggest that this variant may disrupt the consensus splice site. In summary, the currently available evidence indicates that the variant is pathogenic, but additional data are needed to prove that conclusively. Therefore, this variant has been classified as Likely Pathogenic.

Literature cited by the submitters: PubMed 16199547; PubMed 28600438.

NM_021975.4(RELA):c.35-2A>G

Gene: RELA (RELA proto-oncogene, NF-kB subunit; minus strand). Cytogenetic location: 11q13.1.
Variant type: single nucleotide variant.
Coding change: c.35-2A>G on transcript NM_021975.4 (MANE Select); the canonical splice acceptor site of the intron before coding-DNA position 35, A replaced by G.
Molecular consequence: splice acceptor variant.
Genome position (GRCh38, 1-based): chr11:65,662,090, T>C on the plus strand (A>G on the coding strand, the complement: RELA is on the minus strand). VCF-style: chr11-65662090-T-C. GRCh37 (hg19) VCF-style: chr11-65429561-T-C.
Other names: c.-59-2A>G (NM_001404662.1, NM_001404663.1); c.8-2A>G (NM_001404658.1); c.-255-2A>G (NM_001404661.1); c.35-2A>G (NM_001145138.2, NM_001404660.1, NM_001404659.1 and 3 more transcripts).
Identifiers: ClinVar variation 3694709 (VCV003694709.2).
Genomic context (GRCh38, chr11:65,662,090, plus strand): 5'-GCCCCGCTGCTTGGGCTGCTCAATGATCTCCACATAGGGGCCAGAGGCCTGGGCTGGCTC[T>C]GCCAGGGGACACCGCAGCCCCATTAGGCGGCTGCCCCCACTGCCCTACCCCAGGGAGCAC-3'